The following is an entry in ClinVar:

ClinVar aggregate classification (germline): Uncertain significance (1 of 4 stars; one submission).

Submission:

Labcorp Genetics (formerly Invitae), Labcorp
Classification: Uncertain significance. Last evaluated: 2022-02-05. Review status: criteria provided, single submitter. Criteria: Invitae Variant Classification Sherloc (09022015). Collection method: clinical testing. Allele origin: germline.
Comment: In summary, the available evidence is currently insufficient to determine the role of this variant in disease. Therefore, it has been classified as a Variant of Uncertain Significance. Algorithms developed to predict the effect of missense changes on protein structure and function are either unavailable or do not agree on the potential impact of this missense change (SIFT: "Not Available"; PolyPhen-2: "Possibly Damaging"; Align-GVGD: "Not Available"). This variant has not been reported in the literature in individuals affected with VPS13D-related conditions. This variant is not present in population databases (gnomAD no frequency). This sequence change replaces leucine, which is neutral and non-polar, with valine, which is neutral and non-polar, at codon 2380 of the VPS13D protein (p.Leu2380Val).

NM_015378.4(VPS13D):c.7138C>G (p.Leu2380Val)

Gene: VPS13D (vacuolar protein sorting 13 homolog D; plus strand). Cytogenetic location: 1p36.22.
Variant type: single nucleotide variant.
Coding change: c.7138C>G on transcript NM_015378.4 (MANE Select); coding-DNA position 7138, C replaced by G.
Protein change: p.Leu2380Val; replaces leucine 2380 with valine.
Molecular consequence: missense variant.
Genome position (GRCh38, 1-based): chr1:12,314,317, C>G. VCF-style: chr1-12314317-C-G. GRCh37 (hg19) VCF-style: chr1-12374374-C-G.
Other names: c.7138C>G, p.Leu2380Val (NM_018156.4); short protein forms L2380V.
Identifiers: ClinVar variation 2093622 (VCV002093622.4), dbSNP rs2524200176, ClinGen allele CA338493250.
Genomic context (GRCh38, chr1:12,314,317, plus strand): 5'-AGCTGTATCTTTCAGCCCGCTAAGAACAGCAGCACCACCCAAGGGTCCATTCAGATTGAA[C>G]TACATTTCAGGTAGCAGGTCCAGACCCTTCTCTGCCTTTCTTTGTGGAGACATTCCCTTT-3'
Protein context (NP_056193.2, residues 2370-2390): STTQGSIQIE[Leu2380Val]HFRSTKDSSC